The following is an entry in ClinVar:

NM_001378454.1(ALMS1):c.4942C>T (p.Pro1648Ser)

Gene: ALMS1 (ALMS1 centrosome and basal body associated protein; plus strand). Cytogenetic location: 2p13.1.
Variant type: single nucleotide variant.
Coding change: c.4942C>T on transcript NM_001378454.1 (MANE Select); coding-DNA position 4942, C replaced by T.
Protein change: p.Pro1648Ser; replaces proline 1648 with serine.
Molecular consequence: missense variant.
Genome position (GRCh38, 1-based): chr2:73,451,469, C>T. VCF-style: chr2-73451469-C-T. GRCh37 (hg19) VCF-style: chr2-73678596-C-T.
Other names: c.4945C>T, p.Pro1649Ser (NM_015120.4); short protein forms P1649S, P1648S.
Identifiers: ClinVar variation 2038930 (VCV002038930.5), dbSNP rs754804407, ClinGen allele CA347279582.

ClinVar aggregate classification (germline): Uncertain significance. Review status: criteria provided, single submitter (1 of 4 stars). 2 submissions from 2 submitters: Uncertain significance (1). 1 of the submissions does not count toward it. Last evaluated 2022-04-08.

Conditions:
ALMS1-related disorder. Also called: ALMS1-related condition.
Alstrom syndrome (ALMS). Identifiers: Orphanet 64, MedGen C0268425, MONDO:0008763, OMIM 203800.

Submissions (2):

Labcorp Genetics (formerly Invitae), Labcorp
Classification: Uncertain significance for Alstrom syndrome. Last evaluated: 2022-04-08. Review status: criteria provided, single submitter. Criteria: Invitae Variant Classification Sherloc (09022015). Collection method: clinical testing. Allele origin: germline.
Comment: This sequence change replaces proline, which is neutral and non-polar, with serine, which is neutral and polar, at codon 1649 of the ALMS1 protein (p.Pro1649Ser). This variant is present in population databases (no rsID available, gnomAD 0.0009%). This variant has not been reported in the literature in individuals affected with ALMS1-related conditions. Experimental studies and prediction algorithms are not available or were not evaluated, and the functional significance of this variant is currently unknown. In summary, the available evidence is currently insufficient to determine the role of this variant in disease. Therefore, it has been classified as a Variant of Uncertain Significance.

PreventionGenetics, part of Exact Sciences
Classification: Uncertain significance for ALMS1-related condition. Last evaluated: 2024-09-25. Review status: no assertion criteria provided. Collection method: clinical testing. Allele origin: germline. Not counted in ClinVar's aggregate classification.
Comment: The ALMS1 c.4945C>T variant is predicted to result in the amino acid substitution p.Pro1649Ser. To our knowledge, this variant has not been reported in the literature. This variant is reported in 0.021% of alleles in individuals of African descent in gnomAD. At this time, the clinical significance of this variant is uncertain due to the absence of conclusive functional and genetic evidence.